The following is an entry in ClinVar:

NM_005866.4(SIGMAR1):c.151+2T>C

Genes: SIGMAR1 (sigma receptor chaperone 1; minus strand), LOC130001681 (ATAC-STARR-seq lymphoblastoid silent region 19853; plus strand). Cytogenetic location: 9p13.3.
Variant type: single nucleotide variant.
Coding change: c.151+2T>C on transcript NM_005866.4 (MANE Select); the canonical splice donor site of the intron after coding-DNA position 151, T replaced by C.
Molecular consequence: splice donor variant. On other transcripts: intron variant (1).
Genome position (GRCh38, 1-based): chr9:34,637,545, A>G on the plus strand (T>C on the coding strand, the complement: SIGMAR1 is on the minus strand). VCF-style: chr9-34637545-A-G. GRCh37 (hg19) VCF-style: chr9-34637542-A-G.
Other names: c.91+62T>C (NM_001282207.2); c.151+2T>C (NM_001282209.2, NM_147157.3, NM_001282205.2 and 1 more transcripts); c.-103+2T>C (NM_001282206.2).
Identifiers: ClinVar variation 5000012 (VCV005000012.1).

ClinVar aggregate classification (germline): Likely pathogenic (1 of 4 stars; one submission).

Conditions:
SIGMAR1-related disorder. Also called: SIGMAR1-related condition.

Submission:

PreventionGenetics, part of Exact Sciences
Classification: Likely pathogenic for SIGMAR1-related condition. Last evaluated: 2024-12-10. Review status: criteria provided, single submitter. Criteria: ACMG Guidelines, 2015. Collection method: clinical testing. Allele origin: germline.
Comment: The SIGMAR1 c.151+2T>C variant is predicted to disrupt the GT donor site and interfere with normal splicing. To our knowledge, this variant has not been reported in the literature or in a large population database (gnomAD), indicating it is rare. Another variant affecting the same splice site (c.151+1G>T) has been reported in the homozygous state in multiple families with distal hereditary motor neuropathy (Li et al. 2015. PubMed ID: 26078401; Lee et al. 2016. PubMed ID: 28503617). Variants that disrupt the consensus splice donor site in SIGMAR1 are expected to be pathogenic. This variant is interpreted as likely pathogenic.